The following is an entry in ClinVar:

ClinVar aggregate classification (germline): Uncertain significance. Review status: criteria provided, multiple submitters, no conflicts (2 of 4 stars). 7 submissions from 7 submitters: Uncertain significance (7). Last evaluated 2025-12-28.

Conditions:
Classic or attenuated familial adenomatous polyposis. Identifiers: MedGen CN372698, MONDO:0021057.
Hereditary cancer-predisposing syndrome. Also called: Neoplastic Syndromes, Hereditary; Hereditary Cancer Syndrome; Hereditary neoplastic syndrome; Tumor predisposition. Identifiers: Orphanet 140162, MedGen C0027672, MeSH D009386, MONDO:0015356.
Familial adenomatous polyposis 1 (FAP1). Also called: POLYPOSIS, ADENOMATOUS INTESTINAL; FAMILIAL ADENOMATOUS POLYPOSIS 1, ATTENUATED. Identifiers: MedGen C2713442, MONDO:0021056, OMIM 175100. Disease mechanism: loss of function.

Allele frequency attached by ClinVar (database versions not stated): gnomAD 0.00001.
gnomAD v4.1: 2 of 1,614,076 alleles (0.00012%); highest among the groups gnomAD compares: Non-Finnish European, 0.00017%; no homozygotes.

Submissions (7):

Dasa
Classification: Uncertain significance for Familial adenomatous polyposis 1. Last evaluated: 2025-12-28. Review status: criteria provided, single submitter. Criteria: DASA Assertion Criteria. Collection method: clinical testing. Allele origin: germline.
Comment: NM_000038.6(APC):c.4833G>C (p.Gln1611His) is a missense variant that results in the substitution of glutamine with histidine. This variant is rare in population databases. The currently available literature and clinical evidence are not sufficient to establish a definitive association between this variant and the reported condition. Therefore, this variant is classified as a variant of uncertain significance.

Labcorp Genetics (formerly Invitae), Labcorp
Classification: Uncertain significance for Familial adenomatous polyposis 1. Last evaluated: 2025-09-29. Review status: criteria provided, single submitter. Criteria: Invitae Variant Classification Sherloc (09022015). Collection method: clinical testing. Allele origin: germline.
Comment: This sequence change replaces glutamine, which is neutral and polar, with histidine, which is basic and polar, at codon 1611 of the APC protein (p.Gln1611His). This variant is not present in population databases (gnomAD no frequency). This variant has not been reported in the literature in individuals affected with APC-related conditions. ClinVar contains an entry for this variant (Variation ID: 584674). Invitae Evidence Modeling of protein sequence and biophysical properties (such as structural, functional, and spatial information, amino acid conservation, physicochemical variation, residue mobility, and thermodynamic stability) indicates that this missense variant is not expected to disrupt APC protein function with a negative predictive value of 95%. In summary, the available evidence is currently insufficient to determine the role of this variant in disease. Therefore, it has been classified as a Variant of Uncertain Significance.

Color Diagnostics, LLC DBA Color Health
Classification: Uncertain significance for Hereditary cancer-predisposing syndrome. Last evaluated: 2024-03-06. Review status: criteria provided, single submitter. Criteria: ACMG Guidelines, 2015. Collection method: clinical testing. Allele origin: germline.
Comment: This missense variant replaces glutamine with histidine at codon 1611 of the APC protein. Computational prediction suggests that this variant may not impact protein structure and function (internally defined REVEL score threshold <= 0.5, PMID: 27666373). To our knowledge, functional studies have not been reported for this variant. This variant has not been reported in individuals affected with hereditary cancer in the literature. This variant has been identified in 1/31410 chromosomes in the general population by the Genome Aggregation Database (gnomAD). The available evidence is insufficient to determine the role of this variant in disease conclusively. Therefore, this variant is classified as a Variant of Uncertain Significance.

All of Us Research Program, National Institutes of Health
Classification: Uncertain significance for Classic or attenuated familial adenomatous polyposis. Last evaluated: 2023-11-30. Review status: criteria provided, single submitter. Criteria: ACMG Guidelines, 2015. Collection method: clinical testing. Allele origin: germline. Inheritance: Autosomal dominant inheritance. Observed: 1 variant allele, 1 heterozygote.
Comment: This missense variant replaces glutamine with histidine at codon 1611 of the APC protein. Computational prediction suggests that this variant may not impact protein structure and function (internally defined REVEL score threshold <= 0.5, PMID: 27666373). To our knowledge, functional studies have not been reported for this variant. This variant has not been reported in individuals affected with hereditary cancer in the literature. This variant has been identified in 1/31410 chromosomes in the general population by the Genome Aggregation Database (gnomAD). The available evidence is insufficient to determine the role of this variant in disease conclusively. Therefore, this variant is classified as a Variant of Uncertain Significance.

This study involves interpretation of variants in research participants for the purpose of population health screening. Participant phenotype was not available at the time of variant classification. Additional details can be found in publication PMID: 35346344, PMCID: PMC8962531

Ambry Genetics
Classification: Uncertain significance for Hereditary cancer-predisposing syndrome. Last evaluated: 2023-11-22. Review status: criteria provided, single submitter. Criteria: Ambry Variant Classification Scheme 2023. Collection method: clinical testing. Allele origin: germline.
Comment: The p.Q1611H variant (also known as c.4833G>C), located in coding exon 15 of the APC gene, results from a G to C substitution at nucleotide position 4833. The glutamine at codon 1611 is replaced by histidine, an amino acid with highly similar properties. This amino acid position is highly conserved in available vertebrate species. In addition, in silico predictors for this gene do not accurately predict pathogenicity. Since supporting evidence is limited at this time, the clinical significance of this alteration remains unclear.

Baylor Genetics
Classification: Uncertain significance for Familial adenomatous polyposis 1. Last evaluated: 2023-09-07. Review status: criteria provided, single submitter. Criteria: ACMG Guidelines, 2015. Collection method: clinical testing. Allele origin: unknown.

Mendelics
Classification: Uncertain significance for Familial adenomatous polyposis 1. Last evaluated: 2018-07-02. Review status: criteria provided, single submitter. Criteria: Mendelics Assertion Criteria 2017. Collection method: clinical testing. Allele origin: unknown.

NM_000038.6(APC):c.4833G>C (p.Gln1611His)

Gene: APC (APC regulator of Wnt signaling pathway; plus strand). Cytogenetic location: 5q22.2.
Variant type: single nucleotide variant.
Coding change: c.4833G>C on transcript NM_000038.6 (MANE Select); coding-DNA position 4833, G replaced by C.
Protein change: p.Gln1611His; replaces glutamine 1611 with histidine.
Molecular consequence: missense variant.
Genome position (GRCh38, 1-based): chr5:112,840,427, G>C. VCF-style: chr5-112840427-G-C. GRCh37 (hg19) VCF-style: chr5-112176124-G-C.
Other names: c.4833G>C, p.Gln1611His (NM_001127510.3, NM_001354895.2); c.4779G>C, p.Gln1593His (NM_001127511.3); c.4887G>C, p.Gln1629His (NM_001354896.2); c.4863G>C, p.Gln1621His (NM_001354897.2); c.4758G>C, p.Gln1586His (NM_001354898.2); c.4749G>C, p.Gln1583His (NM_001354899.2); c.4710G>C, p.Gln1570His (NM_001354900.2); c.4656G>C, p.Gln1552His (NM_001354901.2); and 5 more; short protein forms Q1611H, Q1593H, Q1570H, Q1621H, Q1485H, Q1520H, Q1629H, Q1328H.
Identifiers: ClinVar variation 584674 (VCV000584674.18), dbSNP rs762030106, ClinGen allele CA16031921.